The following is an entry in ClinVar:

NM_133497.4(KCNV2):c.1148G>T (p.Arg383Leu)

Gene: KCNV2 (potassium voltage-gated channel modifier subfamily V member 2; plus strand). Cytogenetic location: 9p24.2.
Variant type: single nucleotide variant.
Coding change: c.1148G>T on transcript NM_133497.4 (MANE Select); coding-DNA position 1148, G replaced by T.
Protein change: p.Arg383Leu; replaces arginine 383 with leucine.
Molecular consequence: missense variant.
Genome position (GRCh38, 1-based): chr9:2,718,887, G>T. VCF-style: chr9-2718887-G-T. GRCh37 (hg19) VCF-style: chr9-2718887-G-T.
Other names: short protein forms R383L.
Identifiers: ClinVar variation 366422 (VCV000366422.12), dbSNP rs141881396, ClinGen allele CA4965792.

ClinVar aggregate classification (germline): Uncertain significance. Review status: criteria provided, multiple submitters, no conflicts (2 of 4 stars). 5 submissions from 5 submitters: Uncertain significance (5). Last evaluated 2026-07-24.

Conditions:
KCNV2-related disorder. Also called: KCNV2-related condition.
Inborn genetic diseases. Identifiers: MedGen C0950123, MeSH D030342.
Cone dystrophy with supernormal rod response (CDSRR). Also called: CONE DYSTROPHY WITH SUPERNORMAL ROD RESPONSES. Identifiers: Orphanet 209932, MedGen C1835897, MONDO:0012475, OMIM 610356.

Allele frequency attached by ClinVar (database versions not stated): 1000 Genomes Project 30x 0.00016; 1000 Genomes Project 0.00020; gnomAD 0.00029 and 0.00031; TOPMed 0.00033; ESP Exome Variant Server 0.00069.
gnomAD v4.1: 1,104 of 1,608,700 alleles (0.069%); highest among the groups gnomAD compares: Non-Finnish European, 0.087%; no homozygotes.

Submissions (5):

PreventionGenetics, part of Exact Sciences
Classification: Uncertain significance for KCNV2-related condition. Last evaluated: 2026-07-24. Review status: criteria provided, single submitter. Criteria: ACMG Guidelines, 2015. Collection method: clinical testing. Allele origin: germline.
Comment: The KCNV2 c.1148G>T variant is predicted to result in the amino acid substitution p.Arg383Leu. To our knowledge, this variant has not been reported in the literature. This variant is reported in 0.063% of alleles in individuals of European (Non-Finnish) descent in gnomAD, which may be too frequent to be a primary cause of disease. Although we suspect that this variant may be benign, at this time, the clinical significance of this variant is uncertain due to the absence of conclusive functional and genetic evidence.

Labcorp Genetics (formerly Invitae), Labcorp
Classification: Uncertain significance. Last evaluated: 2025-01-13. Review status: criteria provided, single submitter. Criteria: Invitae Variant Classification Sherloc (09022015). Collection method: clinical testing. Allele origin: germline.
Comment: This sequence change replaces arginine, which is basic and polar, with leucine, which is neutral and non-polar, at codon 383 of the KCNV2 protein (p.Arg383Leu). This variant is present in population databases (rs141881396, gnomAD 0.06%). This variant has not been reported in the literature in individuals affected with KCNV2-related conditions. ClinVar contains an entry for this variant (Variation ID: 366422). Invitae Evidence Modeling of protein sequence and biophysical properties (such as structural, functional, and spatial information, amino acid conservation, physicochemical variation, residue mobility, and thermodynamic stability) has been performed for this missense variant. However, the output from this modeling did not meet the statistical confidence thresholds required to predict the impact of this variant on KCNV2 protein function. In summary, the available evidence is currently insufficient to determine the role of this variant in disease. Therefore, it has been classified as a Variant of Uncertain Significance.

Blueprint Genetics
Classification: Uncertain significance. Last evaluated: 2024-11-14. Review status: criteria provided, single submitter. Criteria: ACMG Guidelines, 2015. Collection method: clinical testing. Allele origin: germline.

Ambry Genetics
Classification: Uncertain significance for Inborn genetic diseases. Last evaluated: 2024-03-11. Review status: criteria provided, single submitter. Criteria: Ambry Variant Classification Scheme 2023. Collection method: clinical testing. Allele origin: germline.

Illumina Laboratory Services, Illumina
Classification: Uncertain significance for Cone dystrophy with supernormal rod response. Last evaluated: 2018-01-12. Review status: criteria provided, single submitter. Criteria: ICSL Variant Classification Criteria 13 December 2019. Collection method: clinical testing. Allele origin: germline.